The following is an entry in ClinVar:

NM_001382430.1(AKT1):c.1173G>A (p.Arg391=)

Gene: AKT1 (AKT serine/threonine kinase 1; minus strand). Cytogenetic location: 14q32.33.
Variant type: single nucleotide variant.
Coding change: c.1173G>A on transcript NM_001382430.1 (MANE Select); coding-DNA position 1173, G replaced by A.
Protein change: p.Arg391=; no amino-acid change (arginine 391 retained).
Molecular consequence: synonymous variant.
Genome position (GRCh38, 1-based): chr14:104,772,452, C>T on the plus strand (G>A on the coding strand, the complement: AKT1 is on the minus strand). VCF-style: chr14-104772452-C-T. GRCh37 (hg19) VCF-style: chr14-105238789-C-T.
Other names: c.1173G>A, p.Arg391= (NM_001014431.2, NM_001014432.2, NM_001382431.1 and 3 more transcripts).
Identifiers: ClinVar variation 999063 (VCV000999063.10), dbSNP rs889505130, ClinGen allele CA267348837.

ClinVar aggregate classification (germline): Conflicting classifications of pathogenicity. Review status: criteria provided, conflicting classifications (1 of 4 stars). 2 submissions from 2 submitters: Uncertain significance (1); Likely benign (1). Last evaluated 2023-01-16.

Conditions:
Cowden syndrome 6 (CWS6). Identifiers: Orphanet 201, MedGen C3554519, MONDO:0014048, OMIM 615109.
Inborn genetic diseases. Identifiers: MedGen C0950123, MeSH D030342.

Allele frequency attached by ClinVar (database versions not stated): gnomAD exomes below 0.00001; TOPMed below 0.00001.
gnomAD v4.1: 1 of 1,613,654 alleles (0.000062%); highest among the groups gnomAD compares: Non-Finnish European, 0.000085%; no homozygotes.

Submissions (2):

Ambry Genetics
Classification: Likely benign for Inborn genetic diseases. Last evaluated: 2023-01-16. Review status: criteria provided, single submitter. Criteria: Ambry Variant Classification Scheme 2023. Collection method: clinical testing. Allele origin: germline.

Labcorp Genetics (formerly Invitae), Labcorp
Classification: Uncertain significance for Cowden syndrome 6. Last evaluated: 2020-02-24. Review status: criteria provided, single submitter. Criteria: Invitae Variant Classification Sherloc (09022015). Collection method: clinical testing. Allele origin: germline.
Comment: This sequence change affects codon 391 of the AKT1 mRNA. It is a 'silent' change, meaning that it does not change the encoded amino acid sequence of the AKT1 protein. This variant is not present in population databases (ExAC no frequency). This variant has not been reported in the literature in individuals with AKT1-related conditions. Algorithms developed to predict the effect of sequence changes on RNA splicing suggest that this variant is not likely to affect RNA splicing, but this prediction has not been confirmed by published transcriptional studies. In summary, the available evidence is currently insufficient to determine the role of this variant in disease. Therefore, it has been classified as a Variant of Uncertain Significance.